The following is an entry in ClinVar:

ClinVar aggregate classification (germline): Uncertain significance (1 of 4 stars; one submission).

Submission:

CeGaT Center for Human Genetics Tuebingen
Classification: Uncertain significance. Last evaluated: 2025-09-01. Review status: criteria provided, single submitter. Criteria: CeGaT Center For Human Genetics Tuebingen Variant Classification Criteria Version 2. Collection method: clinical testing. Allele origin: germline. Affected: yes. Observed: 1 variant allele.
Comment: CPAP: PM2, BP4

NM_018451.5(CPAP):c.634G>A (p.Glu212Lys)

Gene: CPAP (centrosome assembly and centriole elongation protein; minus strand). Cytogenetic location: 13q12.13.
Variant type: single nucleotide variant.
Coding change: c.634G>A on transcript NM_018451.5 (MANE Select); coding-DNA position 634, G replaced by A.
Protein change: p.Glu212Lys; replaces glutamic acid 212 with lysine.
Molecular consequence: missense variant. On other transcripts: non-coding transcript variant (2).
Genome position (GRCh38, 1-based): chr13:24,910,021, C>T on the plus strand (G>A on the coding strand, the complement: CPAP is on the minus strand). VCF-style: chr13-24910021-C-T. GRCh37 (hg19) VCF-style: chr13-25484159-C-T.
Other names: short protein forms E212K.
Identifiers: ClinVar variation 4281436 (VCV004281436.7).